The following is an entry in ClinVar:

ClinVar aggregate classification (germline): Likely benign (0 of 4 stars; one submission).

Conditions:
HNF1B-related disorder. Also called: HNF1B-related condition; HNF1B-related disorders.

Submission:

PreventionGenetics, part of Exact Sciences
Classification: Likely benign for HNF1B-related condition. Last evaluated: 2021-01-11. Review status: no assertion criteria provided. Collection method: clinical testing. Allele origin: germline.
Comment: This variant is classified as likely benign based on ACMG/AMP sequence variant interpretation guidelines (Richards et al. 2015 PMID: 25741868, with internal and published modifications).

NM_000458.4(HNF1B):c.810-7T>A

Gene: HNF1B (HNF1 homeobox B; minus strand). Cytogenetic location: 17q12.
Variant type: single nucleotide variant.
Coding change: c.810-7T>A on transcript NM_000458.4 (MANE Select); 7 bases into the intron before coding-DNA position 810, T replaced by A.
Molecular consequence: intron variant.
Genome position (GRCh38, 1-based): chr17:37,731,837, A>T on the plus strand (T>A on the coding strand, the complement: HNF1B is on the minus strand). VCF-style: chr17-37731837-A-T. GRCh37 (hg19) VCF-style: chr17-36091828-A-T.
Other names: c.732-7T>A (NM_001304286.2, NM_001165923.4); c.810-7T>A (NM_001411100.1).
Identifiers: ClinVar variation 3033076 (VCV003033076.2), dbSNP rs2147545888, ClinGen allele CA983442234.